The following is an entry in ClinVar:

ClinVar aggregate classification (germline): Conflicting classifications of pathogenicity. Review status: criteria provided, conflicting classifications (1 of 4 stars). 3 submissions from 3 submitters: Uncertain significance (2); Likely benign (1). Last evaluated 2026-06-01.

Conditions:
Inborn genetic diseases. Identifiers: MedGen C0950123, MeSH D030342.

Allele frequency attached by ClinVar (database versions not stated): gnomAD exomes 0.00001; TOPMed 0.00001; ExAC 0.00003.
gnomAD v4.1: 7 of 1,613,812 alleles (0.00043%); highest among the groups gnomAD compares: Admixed American, 0.01%; no homozygotes.

Submissions (3):

CeGaT Center for Human Genetics Tuebingen
Classification: Uncertain significance. Last evaluated: 2026-06-01. Review status: criteria provided, single submitter. Criteria: CeGaT Center For Human Genetics Tuebingen Variant Classification Criteria Version 2. Collection method: clinical testing. Allele origin: germline. Affected: yes. Observed: 1 variant allele.
Comment: SMARCA2: PP2

Ambry Genetics
Classification: Likely benign for Inborn genetic diseases. Last evaluated: 2025-03-26. Review status: criteria provided, single submitter. Criteria: Ambry Variant Classification Scheme 2023. Collection method: clinical testing. Allele origin: germline.

Labcorp Genetics (formerly Invitae), Labcorp
Classification: Uncertain significance. Last evaluated: 2023-07-26. Review status: criteria provided, single submitter. Criteria: Invitae Variant Classification Sherloc (09022015). Collection method: clinical testing. Allele origin: germline.
Comment: Advanced modeling of protein sequence and biophysical properties (such as structural, functional, and spatial information, amino acid conservation, physicochemical variation, residue mobility, and thermodynamic stability) performed at Invitae indicates that this missense variant is not expected to disrupt SMARCA2 protein function. In summary, the available evidence is currently insufficient to determine the role of this variant in disease. Therefore, it has been classified as a Variant of Uncertain Significance. This variant has not been reported in the literature in individuals affected with SMARCA2-related conditions. This variant is present in population databases (rs762148677, gnomAD 0.01%). This sequence change replaces serine, which is neutral and polar, with leucine, which is neutral and non-polar, at codon 1528 of the SMARCA2 protein (p.Ser1528Leu).

NM_003070.5(SMARCA2):c.4583C>T (p.Ser1528Leu)

Gene: SMARCA2 (SWI/SNF related BAF chromatin remodeling complex subunit ATPase 2; plus strand). Cytogenetic location: 9p24.3.
Variant type: single nucleotide variant.
Coding change: c.4583C>T on transcript NM_003070.5 (MANE Select); coding-DNA position 4583, C replaced by T.
Protein change: p.Ser1528Leu; replaces serine 1528 with leucine.
Molecular consequence: missense variant.
Genome position (GRCh38, 1-based): chr9:2,186,217, C>T. VCF-style: chr9-2186217-C-T. GRCh37 (hg19) VCF-style: chr9-2186217-C-T.
Other names: c.4583C>T, p.Ser1528Leu (NM_001289396.2); c.4355C>T, p.Ser1452Leu (NM_001289397.2); c.557C>T, p.Ser186Leu (NM_001289398.2); c.641C>T, p.Ser214Leu (NM_001289399.2); c.647C>T, p.Ser216Leu (NM_001289400.2); c.4529C>T, p.Ser1510Leu (NM_139045.4); c.4583C>T (NM_003070.3); short protein forms S1528L, S1510L, S214L, S1452L, S186L, S216L.
Identifiers: ClinVar variation 2977049 (VCV002977049.6), dbSNP rs762148677, ClinGen allele CA4964225.